The following is an entry in ClinVar:

ClinVar aggregate classification (germline): Uncertain significance (1 of 4 stars; one submission).

Allele frequency attached by ClinVar (database versions not stated): gnomAD exomes below 0.00001.

Submission:

Labcorp Genetics (formerly Invitae), Labcorp
Classification: Uncertain significance. Last evaluated: 2024-09-01. Review status: criteria provided, single submitter. Criteria: Invitae Variant Classification Sherloc (09022015). Collection method: clinical testing. Allele origin: germline.
Comment: This sequence change replaces alanine, which is neutral and non-polar, with threonine, which is neutral and polar, at codon 404 of the MOCS3 protein (p.Ala404Thr). This variant is not present in population databases (gnomAD no frequency). This variant has not been reported in the literature in individuals affected with MOCS3-related conditions. An algorithm developed to predict the effect of missense changes on protein structure and function outputs the following: PolyPhen-2: "Benign". The threonine amino acid residue is found in multiple mammalian species, which suggests that this missense change does not adversely affect protein function. In summary, the available evidence is currently insufficient to determine the role of this variant in disease. Therefore, it has been classified as a Variant of Uncertain Significance.

NM_014484.5(MOCS3):c.1210G>A (p.Ala404Thr)

Gene: MOCS3 (molybdenum cofactor synthesis 3; plus strand). Cytogenetic location: 20q13.13.
Variant type: single nucleotide variant.
Coding change: c.1210G>A on transcript NM_014484.5 (MANE Select); coding-DNA position 1210, G replaced by A.
Protein change: p.Ala404Thr; replaces alanine 404 with threonine.
Molecular consequence: missense variant.
Genome position (GRCh38, 1-based): chr20:50,960,052, G>A. VCF-style: chr20-50960052-G-A. GRCh37 (hg19) VCF-style: chr20-49576589-G-A.
Other names: short protein forms A404T.
Identifiers: ClinVar variation 2866208 (VCV002866208.3), dbSNP rs2515745242, ClinGen allele CA408986641.